The following is an entry in ClinVar:

NM_001035.3(RYR2):c.3888C>T (p.Asn1296=)

Genes: RYR2 (ryanodine receptor 2; plus strand), LOC126806067 (BRD4-independent group 4 enhancer GRCh37_chr1:237753258-237754457; plus strand). Cytogenetic location: 1q43.
Variant type: single nucleotide variant.
Coding change: c.3888C>T on transcript NM_001035.3 (MANE Select); coding-DNA position 3888, C replaced by T.
Protein change: p.Asn1296=; no amino-acid change (asparagine 1296 retained).
Molecular consequence: synonymous variant.
Genome position (GRCh38, 1-based): chr1:237,590,720, C>T. VCF-style: chr1-237590720-C-T. GRCh37 (hg19) VCF-style: chr1-237754020-C-T.
Identifiers: ClinVar variation 138943 (VCV000138943.76), dbSNP rs373721253, ClinGen allele CA009386.

ClinVar aggregate classification (germline): Conflicting classifications of pathogenicity. Review status: criteria provided, conflicting classifications (1 of 4 stars). 17 submissions from 17 submitters: Uncertain significance (1); Benign (4); Likely benign (6). 6 of the submissions do not count toward it. Last evaluated 2026-09-01.

Conditions:
RYR2-related disorder. Also called: RYR2-related condition.
Cardiovascular phenotype. Identifiers: MedGen CN230736.
Catecholaminergic polymorphic ventricular tachycardia (CVPT). Also called: Catecholamine-induced polymorphic ventricular tachycardia. Identifiers: Orphanet 3286, MedGen C5574922, MONDO:0017990.
Catecholaminergic polymorphic ventricular tachycardia 1. Also called: VENTRICULAR TACHYCARDIA, STRESS-INDUCED POLYMORPHIC 1; VENTRICULAR TACHYCARDIA, CATECHOLAMINERGIC POLYMORPHIC, 1, WITH OR WITHOUT ATRIAL DYSFUNCTION AND/OR DILATED CARDIOMYOPATHY; RYR2-Related Catecholaminergic Polymorphic Ventricular Tachycardia. Identifiers: Orphanet 3286, MedGen C1631597, MONDO:0011484, OMIM 604772.
Cardiomyopathy (CMYO). Also called: Cardiomyopathies. Identifiers: Orphanet 167848, MedGen C0878544, MONDO:0004994, HP:0001638. Inheritance: Various modes of inheritance.

Allele frequency attached by ClinVar (database versions not stated): gnomAD 0.00046 and 0.00047; TOPMed 0.00049; ESP Exome Variant Server 0.00057; 1000 Genomes Project 0.00060; 1000 Genomes Project 30x 0.00062.
gnomAD v4.1: 848 of 1,610,558 alleles (0.053%); highest among the groups gnomAD compares: South Asian, 0.087%; 2 homozygotes.

Submissions (17):

CeGaT Center for Human Genetics Tuebingen
Classification: Likely benign. Last evaluated: 2026-09-01. Review status: criteria provided, single submitter. Criteria: CeGaT Center For Human Genetics Tuebingen Variant Classification Criteria Version 2. Collection method: clinical testing. Allele origin: germline. Affected: yes. Observed: 10 variant alleles.
Comment: RYR2: BP4, BP7

Labcorp Genetics (formerly Invitae), Labcorp
Classification: Benign for Catecholaminergic polymorphic ventricular tachycardia 1. Last evaluated: 2026-01-19. Review status: criteria provided, single submitter. Criteria: Invitae Variant Classification Sherloc (09022015). Collection method: clinical testing. Allele origin: germline.

Molecular Diagnostic Laboratory for Inherited Cardiovascular Disease, Montreal Heart Institute
Classification: Likely benign. Last evaluated: 2025-04-09. Review status: criteria provided, single submitter. Criteria: ACMG Guidelines, 2015. Collection method: clinical testing. Allele origin: germline. Affected: no.

Blueprint Genetics
Classification: Likely benign. Last evaluated: 2024-11-26. Review status: criteria provided, single submitter. Criteria: ACMG Guidelines, 2015. Collection method: clinical testing. Allele origin: germline.

All of Us Research Program, National Institutes of Health
Classification: Benign for Catecholaminergic polymorphic ventricular tachycardia. Last evaluated: 2024-02-05. Review status: criteria provided, single submitter. Criteria: ACMG Guidelines, 2015. Collection method: clinical testing. Allele origin: germline. Inheritance: Autosomal dominant inheritance. Observed: 145 variant alleles, 145 heterozygotes.
Comment: This study involves interpretation of variants in research participants for the purpose of population health screening. Participant phenotype was not available at the time of variant classification. Additional details can be found in publication PMID: 35346344, PMCID: PMC8962531

Women's Health and Genetics/Laboratory Corporation of America, LabCorp
Classification: Benign. Last evaluated: 2022-07-18. Review status: criteria provided, single submitter. Criteria: LabCorp Variant Classification Summary - May 2015. Collection method: clinical testing. Allele origin: germline.

Color Diagnostics, LLC DBA Color Health
Classification: Benign for Cardiomyopathy. Last evaluated: 2018-10-16. Review status: criteria provided, single submitter. Criteria: ACMG Guidelines, 2015. Collection method: clinical testing. Allele origin: germline.

Ambry Genetics
Classification: Likely benign for Cardiovascular phenotype. Last evaluated: 2016-08-10. Review status: criteria provided, single submitter. Criteria: Ambry Variant Classification Scheme 2023. Collection method: clinical testing. Allele origin: germline.

Laboratory for Molecular Medicine, Mass General Brigham Personalized Medicine
Classification: Likely benign. Last evaluated: 2015-10-12. Review status: criteria provided, single submitter. Criteria: LMM Criteria. Collection method: clinical testing. Allele origin: germline. Observed: 2 variant alleles.
Comment: p.Asn1296Asn in exon 31 of RYR2: This variant is not expected to have clinical s ignificance because it does not alter an amino acid residue and is not located w ithin the splice consensus sequence. It has been identified in 0.1% (78/65372) o f European chromosomes by the Exome Aggregation Consortium (ExAC; dbSNP rs373721253).

CHEO Genetics Diagnostic Laboratory, Children's Hospital of Eastern Ontario
Classification: Likely benign for Cardiomyopathy. Last evaluated: 2015-10-05. Review status: criteria provided, single submitter. Criteria: ACMG Guidelines, 2015. Collection method: clinical testing. Allele origin: germline. Study: Canadian Open Genetics Repository.

Eurofins Ntd Llc (ga)
Classification: Uncertain significance. Last evaluated: 2015-01-12. Review status: criteria provided, single submitter. Criteria: EGL Classification Definitions 2015. Collection method: clinical testing. Allele origin: germline. Observed: 2 variant alleles, 2 heterozygotes.

PreventionGenetics, part of Exact Sciences
Classification: Likely benign for RYR2-related condition. Last evaluated: 2019-02-22. Review status: no assertion criteria provided. Collection method: clinical testing. Allele origin: germline. Not counted in ClinVar's aggregate classification.
Comment: This variant is classified as likely benign based on ACMG/AMP sequence variant interpretation guidelines (Richards et al. 2015 PMID: 25741868, with internal and published modifications).

Clinical Genetics DNA and cytogenetics Diagnostics Lab, Erasmus MC, Erasmus Medical Center
Classification: Likely benign. Review status: no assertion criteria provided. Collection method: clinical testing. Allele origin: germline. Affected: yes. Study: VKGL Data-share Consensus. Not counted in ClinVar's aggregate classification.

Clinical Genetics, Academic Medical Center
Classification: Benign. Review status: no assertion criteria provided. Collection method: clinical testing. Allele origin: germline. Affected: yes. Study: VKGL Data-share Consensus. Not counted in ClinVar's aggregate classification.

Diagnostic Laboratory, Department of Genetics, University Medical Center Groningen
Classification: Likely benign. Review status: no assertion criteria provided. Collection method: clinical testing. Allele origin: germline. Affected: yes. Study: VKGL Data-share Consensus. Not counted in ClinVar's aggregate classification.

Genome Diagnostics Laboratory, University Medical Center Utrecht
Classification: Likely benign. Review status: no assertion criteria provided. Collection method: clinical testing. Allele origin: germline. Affected: yes. Study: VKGL Data-share Consensus. Not counted in ClinVar's aggregate classification.

Joint Genome Diagnostic Labs from Nijmegen and Maastricht, Radboudumc and MUMC+
Classification: Likely benign. Review status: no assertion criteria provided. Collection method: clinical testing. Allele origin: germline. Affected: yes. Study: VKGL Data-share Consensus. Not counted in ClinVar's aggregate classification.